The following is an entry in ClinVar:

NM_001244008.2(KIF1A):c.221A>G (p.Tyr74Cys)

Gene: KIF1A (kinesin family member 1A; minus strand). Cytogenetic location: 2q37.3.
Variant type: single nucleotide variant.
Coding change: c.221A>G on transcript NM_001244008.2 (MANE Select); coding-DNA position 221, A replaced by G.
Protein change: p.Tyr74Cys; replaces tyrosine 74 with cysteine.
Molecular consequence: missense variant.
Genome position (GRCh38, 1-based): chr2:240,788,193, T>C on the plus strand (A>G on the coding strand, the complement: KIF1A is on the minus strand). VCF-style: chr2-240788193-T-C. GRCh37 (hg19) VCF-style: chr2-241727610-T-C.
Other names: c.221A>G, p.Tyr74Cys (NM_001320705.2, NM_001330289.2, NM_001330290.2 and 20 more transcripts); short protein forms Y74C.
Identifiers: ClinVar variation 974926 (VCV000974926.2), dbSNP rs2055191530, ClinGen allele CA351310888.
Genomic context (GRCh38, chr2:240,788,193, plus strand): 5'-AAGATGCACACGTTGTATCCCTCAAAGGCATGCTGCAGCATCTCCTCGCCGATGTCCCGG[T>C]ACACCTGCTTCTGCGACGCGTAGTTGATGTCCTCAGGCTGGAGGACGAGGAAGGAATGAA-3'
Protein context (NP_001230937.1, residues 64-84): DINYASQKQV[Tyr74Cys]RDIGEEMLQH

ClinVar aggregate classification (germline): Uncertain significance. Review status: criteria provided, multiple submitters, no conflicts (2 of 4 stars). 2 submissions from 2 submitters: Uncertain significance (2). Last evaluated 2025-07-28.

Conditions:
Neuropathy, hereditary sensory, type 2C. Also called: Hereditary sensory and autonomic neuropathy type IIC; KIF1A-Related HSAN2 (HSAN2C). Identifiers: Orphanet 970, MedGen C3280168, MONDO:0013634, OMIM 614213.
Intellectual disability, autosomal dominant 9 (NESCAVS). Also called: KIF1A-Related Neurodevelopmental Disorder; NESCAV SYNDROME. Identifiers: Orphanet 662367, MedGen C5393830, MONDO:0013656, OMIM 614255.
Hereditary spastic paraplegia 30. Identifiers: Orphanet 101010, MedGen C5235139, MONDO:0012476.

Submissions (2):

Labcorp Genetics (formerly Invitae), Labcorp
Classification: Uncertain significance for Hereditary spastic paraplegia 30; Neuropathy, hereditary sensory, type 2C; Intellectual disability, autosomal dominant 9. Last evaluated: 2025-07-28. Review status: criteria provided, single submitter. Criteria: Invitae Variant Classification Sherloc (09022015). Collection method: clinical testing. Allele origin: germline.
Comment: This sequence change replaces tyrosine, which is neutral and polar, with cysteine, which is neutral and slightly polar, at codon 74 of the KIF1A protein (p.Tyr74Cys). This variant is not present in population databases (gnomAD no frequency). This missense change has been observed in individual(s) with KIF1A-related conditions (PMID: 27165006). ClinVar contains an entry for this variant (Variation ID: 974926). Invitae Evidence Modeling of protein sequence and biophysical properties (such as structural, functional, and spatial information, amino acid conservation, physicochemical variation, residue mobility, and thermodynamic stability) indicates that this missense variant is expected to disrupt KIF1A protein function with a positive predictive value of 95%. In summary, the available evidence is currently insufficient to determine the role of this variant in disease. Therefore, it has been classified as a Variant of Uncertain Significance.

SIB Swiss Institute of Bioinformatics
Classification: Uncertain significance for Spastic paraplegia 30A, autosomal dominant. Last evaluated: 2020-06-15. Review status: criteria provided, single submitter. Criteria: ACMG Guidelines, 2015. Collection method: curation. Allele origin: unknown.
Comment: This variant is interpreted as a variant of uncertain significance for spastic paraplegia 30, autosomal dominant. The following ACMG Tag(s) were applied: Absent from controls (or at extremely low frequency if recessive) in Exome Sequencing Project, 1000 Genomes Project, or Exome Aggregation Consortium (PM2); Missense variant in a gene that has a low rate of benign missense variation and in which missense variants are a common mechanism of disease (PP2); Multiple lines of computational evidence support a deleterious effect on the gene or gene product (PP3); Cosegregation with disease in multiple affected family members in a gene definitively known to cause the disease (PP1).

Literature cited by the submitters: PubMed 27165006 (cited by Labcorp Genetics (formerly Invitae), Labcorp); PubMed 31488895 (cited by SIB Swiss Institute of Bioinformatics).